The following is an entry in ClinVar:

ClinVar aggregate classification (germline): Uncertain significance (1 of 4 stars; one submission).

Allele frequency attached by ClinVar (database versions not stated): gnomAD 0.00002; TOPMed 0.00002.

Submission:

Labcorp Genetics (formerly Invitae), Labcorp
Classification: Uncertain significance. Last evaluated: 2023-06-29. Review status: criteria provided, single submitter. Criteria: Invitae Variant Classification Sherloc (09022015). Collection method: clinical testing. Allele origin: germline.
Comment: This variant is present in population databases (rs759081938, gnomAD 0.005%). This sequence change replaces serine, which is neutral and polar, with asparagine, which is neutral and polar, at codon 412 of the KIF22 protein (p.Ser412Asn). This variant has not been reported in the literature in individuals affected with KIF22-related conditions. In summary, the available evidence is currently insufficient to determine the role of this variant in disease. Therefore, it has been classified as a Variant of Uncertain Significance. Advanced modeling of protein sequence and biophysical properties (such as structural, functional, and spatial information, amino acid conservation, physicochemical variation, residue mobility, and thermodynamic stability) performed at Invitae indicates that this missense variant is not expected to disrupt KIF22 protein function.

NM_007317.3(KIF22):c.1235G>A (p.Ser412Asn)

Gene: KIF22 (kinesin family member 22; plus strand). Cytogenetic location: 16p11.2.
Variant type: single nucleotide variant.
Coding change: c.1235G>A on transcript NM_007317.3 (MANE Select); coding-DNA position 1235, G replaced by A.
Protein change: p.Ser412Asn; replaces serine 412 with asparagine.
Molecular consequence: missense variant.
Genome position (GRCh38, 1-based): chr16:29,800,003, G>A. VCF-style: chr16-29800003-G-A. GRCh37 (hg19) VCF-style: chr16-29811324-G-A.
Other names: c.1031G>A, p.Ser344Asn (NM_001256269.2, NM_001256270.1); short protein forms S412N, S344N.
Identifiers: ClinVar variation 2903647 (VCV002903647.3), dbSNP rs759081938, ClinGen allele CA7993216.